The following is an entry in ClinVar:

ClinVar aggregate classification (germline): Uncertain significance. Review status: criteria provided, multiple submitters, no conflicts (2 of 4 stars). 3 submissions from 3 submitters: Uncertain significance (3). Last evaluated 2026-02-15.

Allele frequency attached by ClinVar (database versions not stated): TOPMed 0.00001; gnomAD 0.00012 and 0.00001; 1000 Genomes Project 30x 0.00047; gnomAD exomes 0.00004; ExAC 0.00007; 1000 Genomes Project 0.00060.
gnomAD v4.1: 62 of 1,611,812 alleles (0.0038%); highest among the groups gnomAD compares: South Asian, 0.049%; no homozygotes.

Submissions (3):

GeneDx
Classification: Uncertain significance. Last evaluated: 2026-02-15. Review status: criteria provided, single submitter. Criteria: GeneDx Variant Classification Process June 2021. Collection method: clinical testing. Allele origin: germline. Affected: yes.
Comment: In silico analysis suggests that this missense variant does not alter protein structure/function; Has not been previously published as pathogenic or benign to our knowledge

Mayo Clinic Laboratories, Mayo Clinic
Classification: Uncertain significance. Last evaluated: 2025-10-03. Review status: criteria provided, single submitter. Criteria: ACMG Guidelines, 2015. Collection method: clinical testing. Allele origin: germline. Observed: 1 variant allele.
Comment: PM2_supporting

Labcorp Genetics (formerly Invitae), Labcorp
Classification: Uncertain significance. Last evaluated: 2024-01-17. Review status: criteria provided, single submitter. Criteria: Invitae Variant Classification Sherloc (09022015). Collection method: clinical testing. Allele origin: germline.
Comment: This sequence change replaces alanine, which is neutral and non-polar, with proline, which is neutral and non-polar, at codon 9 of the MICU1 protein (p.Ala9Pro). This variant is present in population databases (rs368891566, gnomAD 0.02%). This variant has not been reported in the literature in individuals affected with MICU1-related conditions. ClinVar contains an entry for this variant (Variation ID: 1334323). Experimental studies and prediction algorithms are not available or were not evaluated, and the functional significance of this variant is currently unknown. Algorithms developed to predict the effect of sequence changes on RNA splicing suggest that this variant may create or strengthen a splice site. In summary, the available evidence is currently insufficient to determine the role of this variant in disease. Therefore, it has been classified as a Variant of Uncertain Significance.

NM_001195518.2(MICU1):c.25G>C (p.Ala9Pro)

Gene: MICU1 (mitochondrial calcium uptake 1; minus strand). Cytogenetic location: 10q22.1.
Variant type: single nucleotide variant.
Coding change: c.25G>C on transcript NM_001195518.2 (MANE Select); coding-DNA position 25, G replaced by C.
Protein change: p.Ala9Pro; replaces alanine 9 with proline.
Molecular consequence: missense variant.
Genome position (GRCh38, 1-based): chr10:72,566,769, C>G on the plus strand (G>C on the coding strand, the complement: MICU1 is on the minus strand). VCF-style: chr10-72566769-C-G. GRCh37 (hg19) VCF-style: chr10-74326527-C-G.
Other names: p.Ala9Pro; c.25G>C, p.Ala9Pro (NM_001363513.2, NM_006077.4); short protein forms A9P.
Identifiers: ClinVar variation 1334323 (VCV001334323.10), dbSNP rs368891566, ClinGen allele CA5550367.